The following is an entry in ClinVar:

ClinVar aggregate classification (germline): Uncertain significance (1 of 4 stars; one submission).

Allele frequency attached by ClinVar (database versions not stated): gnomAD exomes 0.00005; ExAC 0.00014; ESP Exome Variant Server 0.00056; gnomAD 0.00059; TOPMed 0.00060.

Submission:

Labcorp Genetics (formerly Invitae), Labcorp
Classification: Uncertain significance. Last evaluated: 2025-12-10. Review status: criteria provided, single submitter. Criteria: Invitae Variant Classification Sherloc (09022015). Collection method: clinical testing. Allele origin: germline.
Comment: This sequence change creates a premature translational stop signal (p.Thr402Lysfs*2) in the SLC7A13 gene. While this is not anticipated to result in nonsense mediated decay, it is expected to disrupt the last 69 amino acid(s) of the SLC7A13 protein. This variant is present in population databases (rs754097389, gnomAD 0.2%), and has an allele count higher than expected for a pathogenic variant. This variant has not been reported in the literature in individuals affected with SLC7A13-related conditions. ClinVar contains an entry for this variant (Variation ID: 2042814). In summary, the available evidence is currently insufficient to determine the role of this variant in disease. Therefore, it has been classified as a Variant of Uncertain Significance.

NM_138817.3(SLC7A13):c.1205del (p.Thr402fs)

Gene: SLC7A13 (solute carrier family 7 member 13; minus strand). Cytogenetic location: 8q21.3.
Variant type: Deletion.
Coding change: c.1205del on transcript NM_138817.3 (MANE Select); coding-DNA position 1205, one base deleted (C; older notation c.1205delC).
Protein change: p.Thr402fs; shifts the reading frame from threonine 402.
Molecular consequence: frameshift variant.
Genome position (GRCh38, 1-based): chr8:86,214,621, G deleted on the plus strand (C on the coding strand, the reverse complement: SLC7A13 is on the minus strand). VCF-style (leftmost placement, unchanged base first): chr8-86214620-TG-T. GRCh37 (hg19) VCF-style: chr8-87226849-TG-T.
Other names: short protein forms T402fs.
Identifiers: ClinVar variation 2042814 (VCV002042814.4), dbSNP rs754097389, ClinGen allele CA4797590.